The following is an entry in ClinVar:

NM_000288.4(PEX7):c.130+6G>C

Gene: PEX7 (peroxisomal biogenesis factor 7; plus strand). Cytogenetic location: 6q23.3.
Variant type: single nucleotide variant.
Coding change: c.130+6G>C on transcript NM_000288.4 (MANE Select); 6 bases into the intron after coding-DNA position 130, G replaced by C.
Molecular consequence: intron variant.
Genome position (GRCh38, 1-based): chr6:136,822,801, G>C. VCF-style: chr6-136822801-G-C. GRCh37 (hg19) VCF-style: chr6-137143939-G-C.
Other names: c.130+6G>C (NM_000288.3).
Identifiers: ClinVar variation 1402279 (VCV001402279.5), dbSNP rs1299374519, ClinGen allele CA570743866.

ClinVar aggregate classification (germline): Uncertain significance. Review status: criteria provided, single submitter (1 of 4 stars). 2 submissions from 2 submitters: Uncertain significance (1). 1 of the submissions does not count toward it. Last evaluated 2021-08-31.

Conditions:
PEX7-related disorder. Also called: PEX7-related disorders; PEX7-related condition. Identifiers: MedGen CN239409.
Peroxisome biogenesis disorder 9B. Also called: PEX7-Related Refsum Disease; PEROXISOME BIOGENESIS DISORDER, PEX7-RELATED, ATYPICAL; Refsum disease, adult, 2. Identifiers: Orphanet 773, MedGen C2749346, MONDO:0013945, OMIM 614879.

Allele frequency attached by ClinVar (database versions not stated): gnomAD 0.00001; TOPMed 0.00001.
gnomAD v4.1: 2 of 1,290,822 alleles (0.00015%); highest among the groups gnomAD compares: African/African-American, 0.0031%; no homozygotes.

Submissions (2):

Labcorp Genetics (formerly Invitae), Labcorp
Classification: Uncertain significance for Peroxisome biogenesis disorder 9B. Last evaluated: 2021-08-31. Review status: criteria provided, single submitter. Criteria: Invitae Variant Classification Sherloc (09022015). Collection method: clinical testing. Allele origin: germline.
Comment: This sequence change falls in intron 1 of the PEX7 gene. It does not directly change the encoded amino acid sequence of the PEX7 protein. It affects a nucleotide within the consensus splice site of the intron. The frequency data for this variant in the population databases is considered unreliable, as metrics indicate insufficient coverage at this position in the ExAC database. This variant has not been reported in the literature in individuals affected with PEX7-related conditions. Nucleotide substitutions within the consensus splice site are a relatively common cause of aberrant splicing (PMID: 17576681, 9536098). Algorithms developed to predict the effect of sequence changes on RNA splicing suggest that this variant is not likely to affect RNA splicing. In summary, the available evidence is currently insufficient to determine the role of this variant in disease. Therefore, it has been classified as a Variant of Uncertain Significance.

PreventionGenetics, part of Exact Sciences
Classification: Likely benign for PEX7-related condition. Last evaluated: 2024-01-03. Review status: no assertion criteria provided. Collection method: clinical testing. Allele origin: germline. Not counted in ClinVar's aggregate classification.
Comment: This variant is classified as likely benign based on ACMG/AMP sequence variant interpretation guidelines (Richards et al. 2015 PMID: 25741868, with internal and published modifications).

Literature cited by the submitters: PubMed 17576681 (cited by Labcorp Genetics (formerly Invitae), Labcorp); PubMed 9536098 (cited by Labcorp Genetics (formerly Invitae), Labcorp).